The following is an entry in ClinVar:

NM_006662.3(SRCAP):c.6653C>A (p.Ser2218Tyr)

Gene: SRCAP (Snf2 related CREBBP activator protein; plus strand). Cytogenetic location: 16p11.2.
Variant type: single nucleotide variant.
Coding change: c.6653C>A on transcript NM_006662.3 (MANE Select); coding-DNA position 6653, C replaced by A.
Protein change: p.Ser2218Tyr; replaces serine 2218 with tyrosine.
Molecular consequence: missense variant.
Genome position (GRCh38, 1-based): chr16:30,734,539, C>A. VCF-style: chr16-30734539-C-A. GRCh37 (hg19) VCF-style: chr16-30745860-C-A.
Other names: short protein forms S2218Y.
Identifiers: ClinVar variation 4720105 (VCV004720105.1).

ClinVar aggregate classification (germline): Uncertain significance (1 of 4 stars; one submission).

Submission:

Labcorp Genetics (formerly Invitae), Labcorp
Classification: Uncertain significance. Last evaluated: 2025-08-26. Review status: criteria provided, single submitter. Criteria: Invitae Variant Classification Sherloc (09022015). Collection method: clinical testing. Allele origin: germline.
Comment: This sequence change replaces serine, which is neutral and polar, with tyrosine, which is neutral and polar, at codon 2218 of the SRCAP protein (p.Ser2218Tyr). This variant is not present in population databases (gnomAD no frequency). This variant has not been reported in the literature in individuals affected with SRCAP-related conditions. Invitae Evidence Modeling of protein sequence and biophysical properties (such as structural, functional, and spatial information, amino acid conservation, physicochemical variation, residue mobility, and thermodynamic stability) indicates that this missense variant is not expected to disrupt SRCAP protein function with a negative predictive value of 80%. In summary, the available evidence is currently insufficient to determine the role of this variant in disease. Therefore, it has been classified as a Variant of Uncertain Significance.